The following is an entry in ClinVar:

NM_015978.3(TNNI3K):c.823C>T (p.His275Tyr)

Genes: FPGT-TNNI3K (FPGT-TNNI3K readthrough; plus strand), TNNI3K (TNNI3 interacting kinase; plus strand). Cytogenetic location: 1p31.1.
Variant type: single nucleotide variant.
Coding change: c.823C>T on transcript NM_015978.3 (MANE Select); coding-DNA position 823, C replaced by T.
Protein change: p.His275Tyr; replaces histidine 275 with tyrosine.
Molecular consequence: missense variant.
Genome position (GRCh38, 1-based): chr1:74,342,982, C>T. VCF-style: chr1-74342982-C-T. GRCh37 (hg19) VCF-style: chr1-74808666-C-T.
Other names: c.1126C>T, p.His376Tyr (NM_001112808.3, NM_001199327.2); short protein forms H376Y, H275Y.
Identifiers: ClinVar variation 4692120 (VCV004692120.1).

ClinVar aggregate classification (germline): Uncertain significance (1 of 4 stars; one submission).

gnomAD v4.1: 3 of 1,613,870 alleles (0.00019%); highest among the groups gnomAD compares: South Asian, 0.0011%; no homozygotes.

Submission:

Labcorp Genetics (formerly Invitae), Labcorp
Classification: Uncertain significance. Last evaluated: 2025-09-27. Review status: criteria provided, single submitter. Criteria: Invitae Variant Classification Sherloc (09022015). Collection method: clinical testing. Allele origin: germline.
Comment: This sequence change replaces histidine, which is basic and polar, with tyrosine, which is neutral and polar, at codon 275 of the TNNI3K protein (p.His275Tyr). This variant is present in population databases (no rsID available, gnomAD 0.003%). This variant has not been reported in the literature in individuals affected with TNNI3K-related conditions. Invitae Evidence Modeling of protein sequence and biophysical properties (such as structural, functional, and spatial information, amino acid conservation, physicochemical variation, residue mobility, and thermodynamic stability) has been performed for this missense variant. However, the output from this modeling did not meet the statistical confidence thresholds required to predict the impact of this variant on TNNI3K protein function. In summary, the available evidence is currently insufficient to determine the role of this variant in disease. Therefore, it has been classified as a Variant of Uncertain Significance.